The following is an entry in ClinVar:

ClinVar aggregate classification (germline): Uncertain significance (1 of 4 stars; one submission).

Submission:

Women's Health and Genetics/Laboratory Corporation of America, LabCorp
Classification: Uncertain significance. Last evaluated: 2025-03-18. Review status: criteria provided, single submitter. Criteria: LabCorp Variant Classification Summary - May 2015. Collection method: clinical testing. Allele origin: germline.
Comment: Variant summary: The variant involves the duplication of exons 17-30 in the DMD gene. A presumed nomenclature of c.(1992+1_1993-1)_(4233+1_4234-1)dup has been designated for the purposes of this classification. It is assumed to be a tandem duplication in direct orientation (PMIDs: 25640679, 30054569). This Copy Number Variant (CNV) is predicted to result in an in-frame duplication within this gene. The variant was absent in 16120 control chromosomes (gnomAD, structural variants dataset). The available data on variant occurrences in the general population are insufficient to allow any conclusion about variant significance. To our knowledge, no experimental evidence demonstrating an impact on protein function has been reported. ClinVar contains an entry for this variant (Variation ID: 1321435). Based on the evidence outlined above, the variant was classified as uncertain significance.

NC_000023.10:g.(32408299_32429868)_(32563452_32583818)dup

Gene: DMD (dystrophin; minus strand). Cytogenetic location: Xp21.1.
Variant type: Duplication.
Identifiers: ClinVar variation 1321435 (VCV001321435.2).